The following is an entry in ClinVar:

NM_001365951.3(KIF1B):c.3017T>C (p.Leu1006Pro)

Gene: KIF1B (kinesin family member 1B; plus strand). Cytogenetic location: 1p36.22.
Variant type: single nucleotide variant.
Coding change: c.3017T>C on transcript NM_001365951.3 (MANE Select); coding-DNA position 3017, T replaced by C.
Protein change: p.Leu1006Pro; replaces leucine 1006 with proline.
Molecular consequence: missense variant.
Genome position (GRCh38, 1-based): chr1:10,334,612, T>C. VCF-style: chr1-10334612-T-C. GRCh37 (hg19) VCF-style: chr1-10394670-T-C.
Other names: c.3017T>C, p.Leu1006Pro (NM_001365952.1); c.2879T>C, p.Leu960Pro (NM_015074.3); short protein forms L1006P, L960P.
Identifiers: ClinVar variation 1797142 (VCV001797142.2), dbSNP rs2521700846, ClinGen allele CA338338810.

ClinVar aggregate classification (germline): Uncertain significance (1 of 4 stars; one submission).

Submission:

Ambry Genetics
Classification: Uncertain significance. Last evaluated: 2022-05-02. Review status: criteria provided, single submitter. Criteria: Ambry Variant Classification Scheme 2023. Collection method: clinical testing. Allele origin: germline.
Comment: The p.L960P variant (also known as c.2879T>C), located in coding exon 25 of the KIF1B gene, results from a T to C substitution at nucleotide position 2879. The leucine at codon 960 is replaced by proline, an amino acid with similar properties. This amino acid position is conserved. In addition, this alteration is predicted to be deleterious by in silico analysis. Since supporting evidence is limited at this time, the clinical significance of this alteration remains unclear.